The following is an entry in ClinVar:

ClinVar aggregate classification (germline): Uncertain significance (1 of 4 stars; one submission).

Conditions:
Ullrich congenital muscular dystrophy 2 (UCMD2). Identifiers: Orphanet 75840, MedGen C4225314, MONDO:0014654, OMIM 616470.
Bethlem myopathy 2 (BTHLM2). Identifiers: Orphanet 536516, Orphanet 610, MedGen C4225313, MONDO:0034022, OMIM 616471.

Submission:

Labcorp Genetics (formerly Invitae), Labcorp
Classification: Uncertain significance for Bethlem myopathy 2; Ullrich congenital muscular dystrophy 2. Last evaluated: 2022-10-25. Review status: criteria provided, single submitter. Criteria: Invitae Variant Classification Sherloc (09022015). Collection method: clinical testing. Allele origin: germline.
Comment: In summary, the available evidence is currently insufficient to determine the role of this variant in disease. Therefore, it has been classified as a Variant of Uncertain Significance. Advanced modeling of protein sequence and biophysical properties (such as structural, functional, and spatial information, amino acid conservation, physicochemical variation, residue mobility, and thermodynamic stability) performed at Invitae indicates that this missense variant is not expected to disrupt COL12A1 protein function. This variant has not been reported in the literature in individuals affected with COL12A1-related conditions. This variant is not present in population databases (gnomAD no frequency). This sequence change replaces lysine, which is basic and polar, with arginine, which is basic and polar, at codon 2411 of the COL12A1 protein (p.Lys2411Arg).

NM_004370.6(COL12A1):c.7232A>G (p.Lys2411Arg)

Genes: COL12A1 (collagen type XII alpha 1 chain; minus strand), LOC126859712 (MED14-independent group 3 enhancer GRCh37_chr6:75828643-75829842; plus strand). Cytogenetic location: 6q13.
Variant type: single nucleotide variant.
Coding change: c.7232A>G on transcript NM_004370.6 (MANE Select); coding-DNA position 7232, A replaced by G.
Protein change: p.Lys2411Arg; replaces lysine 2411 with arginine.
Molecular consequence: missense variant.
Genome position (GRCh38, 1-based): chr6:75,119,165, T>C on the plus strand (A>G on the coding strand, the complement: COL12A1 is on the minus strand). VCF-style: chr6-75119165-T-C. GRCh37 (hg19) VCF-style: chr6-75828881-T-C.
Other names: c.3740A>G, p.Lys1247Arg (NM_080645.3); short protein forms K1247R, K2411R.
Identifiers: ClinVar variation 1720082 (VCV001720082.6), dbSNP rs2533200321, ClinGen allele CA364748104.